The following is an entry in ClinVar:

ClinVar aggregate classification (germline): Uncertain significance. Review status: criteria provided, multiple submitters, no conflicts (2 of 4 stars). 2 submissions from 2 submitters: Uncertain significance (2). Last evaluated 2025-08-02.

Conditions:
Inborn genetic diseases. Identifiers: MedGen C0950123, MeSH D030342.
Malignant hyperthermia, susceptibility to, 5 (MHS5). Also called: CACNA1S-Related Malignant Hyperthermia Susceptibility. Identifiers: Orphanet 423, MedGen C1866077, MONDO:0011163, OMIM 601887.

Submissions (2):

Ambry Genetics
Classification: Uncertain significance for Inborn genetic diseases. Last evaluated: 2025-08-02. Review status: criteria provided, single submitter. Criteria: Ambry Variant Classification Scheme 2023. Collection method: clinical testing. Allele origin: germline.

All of Us Research Program, National Institutes of Health
Classification: Uncertain significance for Malignant hyperthermia, susceptibility to, 5. Last evaluated: 2024-07-20. Review status: criteria provided, single submitter. Criteria: ACMG Guidelines, 2015. Collection method: clinical testing. Allele origin: germline. Inheritance: Autosomal dominant inheritance. Observed: 1 variant allele, 1 heterozygote.
Comment: This missense variant replaces valine with leucine at codon 898 of the CACNA1S protein. Computational prediction suggests that this variant may have deleterious impact on protein structure and function (internally defined REVEL score threshold >= 0.7, PMID: 27666373). To our knowledge, functional studies have not been reported for this variant. This variant has not been reported in individuals affected with CACNA1S-related disorders in the literature. This variant has been identified in 1/250814 chromosomes in the general population by the Genome Aggregation Database (gnomAD). The available evidence is insufficient to determine the role of this variant in disease conclusively. Therefore, this variant is classified as a Variant of Uncertain Significance.

This study involves interpretation of variants in research participants for the purpose of population health screening. Participant phenotype was not available at the time of variant classification. Additional details can be found in publication PMID: 35346344, PMCID: PMC8962531

NM_000069.3(CACNA1S):c.2692G>C (p.Val898Leu)

Gene: CACNA1S (calcium voltage-gated channel subunit alpha1 S; minus strand). Cytogenetic location: 1q32.1.
Variant type: single nucleotide variant.
Coding change: c.2692G>C on transcript NM_000069.3 (MANE Select); coding-DNA position 2692, G replaced by C.
Protein change: p.Val898Leu; replaces valine 898 with leucine.
Molecular consequence: missense variant.
Genome position (GRCh38, 1-based): chr1:201,066,282, C>G on the plus strand (G>C on the coding strand, the complement: CACNA1S is on the minus strand). VCF-style: chr1-201066282-C-G. GRCh37 (hg19) VCF-style: chr1-201035410-C-G.
Other names: c.2692G>C (NM_000069.2); short protein forms V898L.
Identifiers: ClinVar variation 3386344 (VCV003386344.2).